The following is an entry in ClinVar:

ClinVar aggregate classification (germline): Conflicting classifications of pathogenicity. Review status: criteria provided, conflicting classifications (1 of 4 stars). 2 submissions from 2 submitters: Uncertain significance (1); Likely benign (1). Last evaluated 2025-01-22.

gnomAD v4.1: 12 of 1,263,782 alleles (0.00095%); highest among the groups gnomAD compares: South Asian, 0.0031%; no homozygotes.

Submissions (2):

Labcorp Genetics (formerly Invitae), Labcorp
Classification: Uncertain significance. Last evaluated: 2025-01-22. Review status: criteria provided, single submitter. Criteria: Invitae Variant Classification Sherloc (09022015). Collection method: clinical testing. Allele origin: germline.
Comment: This sequence change replaces proline, which is neutral and non-polar, with alanine, which is neutral and non-polar, at codon 55 of the GATA5 protein (p.Pro55Ala). This variant is not present in population databases (gnomAD no frequency). This variant has not been reported in the literature in individuals affected with GATA5-related conditions. ClinVar contains an entry for this variant (Variation ID: 2763494). Invitae Evidence Modeling of protein sequence and biophysical properties (such as structural, functional, and spatial information, amino acid conservation, physicochemical variation, residue mobility, and thermodynamic stability) indicates that this missense variant is not expected to disrupt GATA5 protein function with a negative predictive value of 80%. In summary, the available evidence is currently insufficient to determine the role of this variant in disease. Therefore, it has been classified as a Variant of Uncertain Significance.

Blueprint Genetics
Classification: Likely benign. Last evaluated: 2023-05-23. Review status: criteria provided, single submitter. Criteria: ACMG Guidelines, 2015. Collection method: clinical testing. Allele origin: germline.

NM_080473.5(GATA5):c.163C>G (p.Pro55Ala)

Gene: GATA5 (GATA binding protein 5; minus strand). Cytogenetic location: 20q13.33.
Variant type: single nucleotide variant.
Coding change: c.163C>G on transcript NM_080473.5 (MANE Select); coding-DNA position 163, C replaced by G.
Protein change: p.Pro55Ala; replaces proline 55 with alanine.
Molecular consequence: missense variant.
Genome position (GRCh38, 1-based): chr20:62,475,359, G>C on the plus strand (C>G on the coding strand, the complement: GATA5 is on the minus strand). VCF-style: chr20-62475359-G-C. GRCh37 (hg19) VCF-style: chr20-61050415-G-C.
Other names: short protein forms P55A.
Identifiers: ClinVar variation 2763494 (VCV002763494.4), dbSNP rs111252974, ClinGen allele CA409557615.
Genomic context (GRCh38, chr20:62,475,359, plus strand): 5'-AGGCCGACGAATCCGCGGTGGCTGTCTGCGCCCAGCCGGGGCGCGCAGCGAGCTCGGGGG[G>C]CTGCGGGCTCGGCTCACACCCGGACAGGTAGGACAGCATCGAGGGGACGCGCGCCGGCGG-3'
Protein context (NP_536721.1, residues 45-65): YLSGCEPSPQ[Pro55Ala]PELAARPGWA